The following is an entry in ClinVar:

ClinVar aggregate classification (germline): Uncertain significance (1 of 4 stars; one submission).

Submission:

Labcorp Genetics (formerly Invitae), Labcorp
Classification: Uncertain significance. Last evaluated: 2022-10-13. Review status: criteria provided, single submitter. Criteria: Invitae Variant Classification Sherloc (09022015). Collection method: clinical testing. Allele origin: germline.
Comment: This sequence change replaces histidine, which is basic and polar, with tyrosine, which is neutral and polar, at codon 267 of the SULT2B1 protein (p.His267Tyr). This variant is not present in population databases (gnomAD no frequency). This variant has not been reported in the literature in individuals affected with SULT2B1-related conditions. Advanced modeling of protein sequence and biophysical properties (such as structural, functional, and spatial information, amino acid conservation, physicochemical variation, residue mobility, and thermodynamic stability) performed at Invitae indicates that this missense variant is not expected to disrupt SULT2B1 protein function. In summary, the available evidence is currently insufficient to determine the role of this variant in disease. Therefore, it has been classified as a Variant of Uncertain Significance.

NM_177973.2(SULT2B1):c.799C>T (p.His267Tyr)

Gene: SULT2B1 (sulfotransferase family 2B member 1; plus strand). Cytogenetic location: 19q13.33.
Variant type: single nucleotide variant.
Coding change: c.799C>T on transcript NM_177973.2 (MANE Select); coding-DNA position 799, C replaced by T.
Protein change: p.His267Tyr; replaces histidine 267 with tyrosine.
Molecular consequence: missense variant.
Genome position (GRCh38, 1-based): chr19:48,596,892, C>T. VCF-style: chr19-48596892-C-T. GRCh37 (hg19) VCF-style: chr19-49100149-C-T.
Other names: c.754C>T, p.His252Tyr (NM_004605.2); short protein forms H267Y, H252Y.
Identifiers: ClinVar variation 2135708 (VCV002135708.4), dbSNP rs1385418891, ClinGen allele CA406714336.